The following is an entry in ClinVar:

NM_152419.3(HGSNAT):c.263C>T (p.Pro88Leu)

Gene: HGSNAT (heparan-alpha-glucosaminide N-acetyltransferase; plus strand). Cytogenetic location: 8p11.21.
Variant type: single nucleotide variant.
Coding change: c.263C>T on transcript NM_152419.3 (MANE Select); coding-DNA position 263, C replaced by T.
Protein change: p.Pro88Leu; replaces proline 88 with leucine.
Molecular consequence: missense variant. On other transcripts: 5 prime UTR variant (1).
Genome position (GRCh38, 1-based): chr8:43,158,603, C>T. VCF-style: chr8-43158603-C-T. GRCh37 (hg19) VCF-style: chr8-43013746-C-T.
Other names: c.263C>T, p.Pro88Leu (NM_001363227.2, NM_001363228.2); c.-571C>T (NM_001363229.2); short protein forms P88L.
Identifiers: ClinVar variation 2172333 (VCV002172333.1), dbSNP rs760878644, ClinGen allele CA4736464.
Genomic context (GRCh38, chr8:43,158,603, plus strand): 5'-TGGCGGTTGACCTGTTGTGCTTTTATTTACAGTGCTTGTTTCAGGTTCTGGTAAACGTTC[C>T]TCAGAGTCCAAAAGCAGGGAAGCCTAGTGCTGCAGCTGCCTCTGTCAGCACCCAGCACGG-3'
Protein context (NP_689632.2, residues 78-98): HCLFQVLVNV[Pro88Leu]QSPKAGKPSA

ClinVar aggregate classification (germline): Uncertain significance (1 of 4 stars; one submission).

Conditions:
Mucopolysaccharidosis, MPS-III-C (MPS3C). Also called: SANFILIPPO SYNDROME C; MPS III C; mucopolysaccharidosis type 3C; MUCOPOLYSACCHARIDOSIS, TYPE IIIC; MPS IIIC (Sanfilippo Syndrome Type C); Mucopolysaccharidosis type IIIC (Sanfilippo C). Identifiers: Orphanet 581, Orphanet 79271, MedGen C0086649, MONDO:0009657, OMIM 252930.
Retinitis pigmentosa 73 (RP73). Identifiers: Orphanet 791, MedGen C4225287, MONDO:0014687, OMIM 616544.

Allele frequency attached by ClinVar (database versions not stated): ExAC 0.00001.
gnomAD v4.1: 6 of 1,613,892 alleles (0.00037%); highest among the groups gnomAD compares: South Asian, 0.0066%; no homozygotes.

Submission:

Labcorp Genetics (formerly Invitae), Labcorp
Classification: Uncertain significance for Retinitis pigmentosa 73; Mucopolysaccharidosis, MPS-III-C. Last evaluated: 2022-07-04. Review status: criteria provided, single submitter. Criteria: Invitae Variant Classification Sherloc (09022015). Collection method: clinical testing. Allele origin: germline.
Comment: This sequence change replaces proline, which is neutral and non-polar, with leucine, which is neutral and non-polar, at codon 88 of the HGSNAT protein (p.Pro88Leu). This variant is present in population databases (rs760878644, gnomAD 0.006%). This variant has not been reported in the literature in individuals affected with HGSNAT-related conditions. Advanced modeling of protein sequence and biophysical properties (such as structural, functional, and spatial information, amino acid conservation, physicochemical variation, residue mobility, and thermodynamic stability) performed at Invitae indicates that this missense variant is not expected to disrupt HGSNAT protein function. In summary, the available evidence is currently insufficient to determine the role of this variant in disease. Therefore, it has been classified as a Variant of Uncertain Significance.